The following is an entry in ClinVar:

ClinVar aggregate classification (germline): Uncertain significance. Review status: criteria provided, multiple submitters, no conflicts (2 of 4 stars). 2 submissions from 2 submitters: Uncertain significance (2). Last evaluated 2025-03-02.

Conditions:
Cardiovascular phenotype. Identifiers: MedGen CN230736.
Hereditary cancer-predisposing syndrome. Also called: Neoplastic Syndromes, Hereditary; Tumor predisposition; Hereditary Cancer Syndrome; Hereditary neoplastic syndrome. Identifiers: Orphanet 140162, MedGen C0027672, MeSH D009386, MONDO:0015356.

gnomAD v4.1: 1 of 1,586,552 alleles (0.000063%); highest among the groups gnomAD compares: Non-Finnish European, 0.000086%; no homozygotes.

Submissions (2):

Labcorp Genetics (formerly Invitae), Labcorp
Classification: Uncertain significance. Last evaluated: 2025-03-02. Review status: criteria provided, single submitter. Criteria: Invitae Variant Classification Sherloc (09022015). Collection method: clinical testing. Allele origin: germline.
Comment: This sequence change replaces histidine, which is basic and polar, with glutamine, which is neutral and polar, at codon 295 of the LZTR1 protein (p.His295Gln). This variant is not present in population databases (gnomAD no frequency). This variant has not been reported in the literature in individuals affected with LZTR1-related conditions. ClinVar contains an entry for this variant (Variation ID: 1764900). Invitae Evidence Modeling of protein sequence and biophysical properties (such as structural, functional, and spatial information, amino acid conservation, physicochemical variation, residue mobility, and thermodynamic stability) indicates that this missense variant is not expected to disrupt LZTR1 protein function with a negative predictive value of 80%. In summary, the available evidence is currently insufficient to determine the role of this variant in disease. Therefore, it has been classified as a Variant of Uncertain Significance.

Ambry Genetics
Classification: Uncertain significance for Cardiovascular phenotype; Hereditary cancer-predisposing syndrome. Last evaluated: 2024-07-08. Review status: criteria provided, single submitter. Criteria: Ambry Variant Classification Scheme 2023. Collection method: clinical testing. Allele origin: germline.
Comment: The p.H295Q variant (also known as c.885C>A), located in coding exon 9 of the LZTR1 gene, results from a C to A substitution at nucleotide position 885. The histidine at codon 295 is replaced by glutamine, an amino acid with highly similar properties. This amino acid position is highly conserved in available vertebrate species. In addition, the in silico prediction for this alteration is inconclusive. Based on the available evidence, the clinical significance of this variant remains unclear.

NM_006767.4(LZTR1):c.885C>A (p.His295Gln)

Gene: LZTR1 (leucine zipper like post translational regulator 1; plus strand). Cytogenetic location: 22q11.21.
Variant type: single nucleotide variant.
Coding change: c.885C>A on transcript NM_006767.4 (MANE Select); coding-DNA position 885, C replaced by A.
Protein change: p.His295Gln; replaces histidine 295 with glutamine.
Molecular consequence: missense variant.
Genome position (GRCh38, 1-based): chr22:20,991,721, C>A. VCF-style: chr22-20991721-C-A. GRCh37 (hg19) VCF-style: chr22-21346010-C-A.
Other names: short protein forms H295Q.
Identifiers: ClinVar variation 1764900 (VCV001764900.4), dbSNP rs2518617165, ClinGen allele CA410781346.